The following is an entry in ClinVar:

ClinVar aggregate classification (germline): Uncertain significance (1 of 4 stars; one submission).

Conditions:
Intellectual developmental disorder, X-linked 104. Also called: Intellectual disability, X-linked 104. Identifiers: MedGen C4310817, MONDO:0010509, OMIM 300983.

Submission:

Laboratory of Medical Genetics, National & Kapodistrian University of Athens
Classification: Uncertain significance for Intellectual developmental disorder, X-linked 104. Last evaluated: 2021-10-06. Review status: criteria provided, single submitter. Criteria: ACMG Guidelines, 2015. Collection method: clinical testing. Allele origin: unknown.
Comment: PM2, PP3, BP1

NM_001368397.1(FRMPD4):c.476A>G (p.Lys159Arg)

Gene: FRMPD4 (FERM and PDZ domain containing 4; plus strand). Cytogenetic location: Xp22.2.
Variant type: single nucleotide variant.
Coding change: c.476A>G on transcript NM_001368397.1 (MANE Select); coding-DNA position 476, A replaced by G.
Protein change: p.Lys159Arg; replaces lysine 159 with arginine.
Molecular consequence: missense variant.
Genome position (GRCh38, 1-based): chrX:12,683,490, A>G. VCF-style: chrX-12683490-A-G. GRCh37 (hg19) VCF-style: chrX-12701609-A-G.
Other names: c.587A>G, p.Lys196Arg (NM_001368395.3, NM_001368398.3); c.482A>G, p.Lys161Arg (NM_001368396.3); c.467A>G, p.Lys156Arg (NM_001368399.3); c.356A>G, p.Lys119Arg (NM_001368400.3); c.452A>G, p.Lys151Arg (NM_001368401.1, NM_001368402.3); c.476A>G, p.Lys159Arg (NM_014728.3); short protein forms K119R, K151R, K156R, K159R, K161R, K196R.
Identifiers: ClinVar variation 1299614 (VCV001299614.1), dbSNP rs2147106313, ClinGen allele CA412007185.
Genomic context (GRCh38, chrX:12,683,490, plus strand): 5'-AAGGTTTGCATTATGTTACCAGTAATCAGATAAAATGTTTTCTTTTCTTCTAGTCTCCCA[A>G]ATCAGCATTTATTAGTGCTGCAAAAAAGGCAAGATTAAAGTCCAATCCTGTCAAAGTACG-3'
Protein context (NP_001355326.1, residues 149-169): LTVIQPYPSP[Lys159Arg]SAFISAAKKA